The following is an entry in ClinVar:

ClinVar aggregate classification (germline): Uncertain significance (1 of 4 stars; one submission).

gnomAD v4.1: 6 of 1,614,130 alleles (0.00037%); highest among the groups gnomAD compares: South Asian, 0.0022%; no homozygotes.

Submission:

Women's Health and Genetics/Laboratory Corporation of America, LabCorp
Classification: Uncertain significance. Last evaluated: 2026-05-07. Review status: criteria provided, single submitter. Criteria: LabCorp Variant Classification Summary - May 2015. Collection method: clinical testing. Allele origin: germline.
Comment: Variant summary: JARID2 c.698G>A (p.Arg233Gln) results in a conservative amino acid change in the encoded protein sequence. Algorithms developed to predict the effect of missense changes on protein structure and function are either unavailable or do not agree on the potential impact of this missense change. The variant allele was found at a frequency of 1.6e-05 in 251220 control chromosomes. The available data on variant occurrences in the general population are insufficient to allow any conclusion about variant significance. To our knowledge, no occurrence of c.698G>A in individuals affected with JARID2-related conditions and no experimental evidence demonstrating its impact on protein function have been reported. No submitters have cited clinical-significance assessments for this variant to ClinVar. Based on the evidence outlined above, the variant was classified as uncertain significance.

NM_004973.4(JARID2):c.698G>A (p.Arg233Gln)

Gene: JARID2 (jumonji and AT-rich interaction domain containing 2; plus strand). Cytogenetic location: 6p22.3.
Variant type: single nucleotide variant.
Coding change: c.698G>A on transcript NM_004973.4 (MANE Select); coding-DNA position 698, G replaced by A.
Protein change: p.Arg233Gln; replaces arginine 233 with glutamine.
Molecular consequence: missense variant.
Genome position (GRCh38, 1-based): chr6:15,487,334, G>A. VCF-style: chr6-15487334-G-A. GRCh37 (hg19) VCF-style: chr6-15487565-G-A.
Other names: c.182G>A, p.Arg61Gln (NM_001267040.1); short protein forms R233Q, R61Q.
Identifiers: ClinVar variation 4853466 (VCV004853466.1).
Genomic context (GRCh38, chr6:15,487,334, plus strand): 5'-TGATTTCATTCTTGTTTTCTCCTTCCTTTCTAGTTTTCAATGGTTCCAGCAGGTCAACAC[G>A]GGAGAAGGAACCTGTTCAAAAACACAAAAGCAAAGAGGCCACTCCCGCAAAGGAGAAGCA-3'
Protein context (NP_004964.2, residues 223-243): HVFNGSSRST[Arg233Gln]EKEPVQKHKS